The following is an entry in ClinVar:

NM_001127644.2(GABRA1):c.799C>A (p.Leu267Ile)

Gene: GABRA1 (gamma-aminobutyric acid type A receptor subunit alpha1; plus strand). Cytogenetic location: 5q34.
Variant type: single nucleotide variant.
Coding change: c.799C>A on transcript NM_001127644.2 (MANE Select); coding-DNA position 799, C replaced by A.
Protein change: p.Leu267Ile; replaces leucine 267 with isoleucine.
Molecular consequence: missense variant.
Genome position (GRCh38, 1-based): chr5:161,890,993, C>A. VCF-style: chr5-161890993-C-A. GRCh37 (hg19) VCF-style: chr5-161317999-C-A.
Other names: p.L267I:CTC>ATC; c.799C>A, p.Leu267Ile (NM_000806.5, NM_001127643.2, NM_001127645.2 and 1 more transcripts); short protein forms L267I.
Identifiers: ClinVar variation 205521 (VCV000205521.11), dbSNP rs796052492, ClinGen allele CA314672.

ClinVar aggregate classification (germline): Conflicting classifications of pathogenicity. Review status: criteria provided, conflicting classifications (1 of 4 stars). 3 submissions from 3 submitters: Likely pathogenic (1); Uncertain significance (1). 1 of the submissions does not count toward it. Last evaluated 2022-11-15.

Conditions:
Epilepsy, idiopathic generalized, susceptibility to, 13. Also called: EPILEPSY, JUVENILE MYOCLONIC, SUSCEPTIBILITY TO, 5. Identifiers: Orphanet 307, Orphanet 64280, MedGen C4013473, MONDO:0012627, OMIM 611136.
Developmental and epileptic encephalopathy, 19 (DEE19). Also called: Epileptic encephalopathy, early infantile, 19. Identifiers: Orphanet 33069, MedGen C3810400, MONDO:0014328, OMIM 615744.
Idiopathic generalized epilepsy. Also called: Generalised epilepsy; EIG. Identifiers: MedGen C0270850, MONDO:0005579, OMIM 600669.
Epilepsy, childhood absence 4 (ECA4). Also called: EPILEPSY, CHILDHOOD ABSENCE, SUSCEPTIBILITY TO, 4. Identifiers: Orphanet 307, MedGen C1970160.

Submissions (3):

Labcorp Genetics (formerly Invitae), Labcorp
Classification: Uncertain significance for Epilepsy, childhood absence 4; Epilepsy, idiopathic generalized, susceptibility to, 13; Idiopathic generalized epilepsy. Last evaluated: 2022-11-15. Review status: criteria provided, single submitter. Criteria: Invitae Variant Classification Sherloc (09022015). Collection method: clinical testing. Allele origin: germline.
Comment: Algorithms developed to predict the effect of missense changes on protein structure and function (SIFT, PolyPhen-2, Align-GVGD) all suggest that this variant is likely to be tolerated. In summary, the available evidence is currently insufficient to determine the role of this variant in disease. Therefore, it has been classified as a Variant of Uncertain Significance. This variant disrupts the p.Leu267 amino acid residue in GABRA1. Other variant(s) that disrupt this residue have been determined to be pathogenic (Invitae). This suggests that this residue is clinically significant, and that variants that disrupt this residue are likely to be disease-causing. ClinVar contains an entry for this variant (Variation ID: 205521). This missense change has been observed in individual(s) with clinical features of GABRA1-related conditions (PMID: 28837158). This variant is not present in population databases (gnomAD no frequency). This sequence change replaces leucine, which is neutral and non-polar, with isoleucine, which is neutral and non-polar, at codon 267 of the GABRA1 protein (p.Leu267Ile).

GeneDx
Classification: Likely pathogenic. Last evaluated: 2012-07-02. Review status: criteria provided, single submitter. Criteria: GeneDx Variant Classification (06012015). Collection method: clinical testing. Allele origin: germline. Affected: yes.
Comment: p.Leu267Ile (CTC>ATC): c.799 C>A in exon 9 of the GABRA1 gene (NM_000806.5). The Leu267Ile missense change has not been published as a mutation, nor has it been reported as a benign polymorphism to our knowledge. The NHLBI ESP Exome Variant Project has not identified Leu267Ile in approximately 5,000 individuals of European or African American ethnicity, indicating that it is not a common benign variant in these populations. The amino acid substitution is conservative, as Leucine and Isoleucine are both uncharged, non-polar amino acids. However, it alters a position in the first transmembrane domain that is highly conserved across species and in related proteins. Several in silico algorithms predict Leu267Ile is likely damaging to protein structure/function, while another predicts it is likely not pathogenic. Therefore, based on the currently available information, it is unclear whether Leu267Ile is a disease-causing mutation or a rare benign variant. The variant is found in EPILEPSY panel(s).

Division of Human Genetics, Children's Hospital of Philadelphia
Classification: Likely pathogenic for Epilepsy, idiopathic generalized, susceptibility to, 13; Developmental and epileptic encephalopathy, 19. Last evaluated: 2016-12-12. Review status: no assertion criteria provided. Collection method: research. Allele origin: de novo. Affected: yes. Study: CSER-PediSeq. Not counted in ClinVar's aggregate classification.

Literature cited by the submitters: PubMed 28837158 (cited by Labcorp Genetics (formerly Invitae), Labcorp).